The following is an entry in ClinVar:

ClinVar aggregate classification (germline): Uncertain significance. Review status: criteria provided, multiple submitters, no conflicts (2 of 4 stars). 2 submissions from 2 submitters: Uncertain significance (2). Last evaluated 2025-10-21.

Conditions:
Inborn genetic diseases. Identifiers: MedGen C0950123, MeSH D030342.

Submissions (2):

Labcorp Genetics (formerly Invitae), Labcorp
Classification: Uncertain significance. Last evaluated: 2025-10-21. Review status: criteria provided, single submitter. Criteria: Invitae Variant Classification Sherloc (09022015). Collection method: clinical testing. Allele origin: germline.
Comment: This sequence change replaces proline, which is neutral and non-polar, with histidine, which is basic and polar, at codon 17 of the PROKR2 protein (p.Pro17His). This variant is present in population databases (rs776389568, gnomAD 0.004%). This variant has not been reported in the literature in individuals affected with PROKR2-related conditions. An algorithm developed to predict the effect of missense changes on protein structure and function outputs the following: PolyPhen-2: "Benign". The histidine amino acid residue is found in multiple mammalian species, which suggests that this missense change does not adversely affect protein function. In summary, the available evidence is currently insufficient to determine the role of this variant in disease. Therefore, it has been classified as a Variant of Uncertain Significance.

Ambry Genetics
Classification: Uncertain significance for Inborn genetic diseases. Last evaluated: 2025-08-23. Review status: criteria provided, single submitter. Criteria: Ambry Variant Classification Scheme 2023. Collection method: clinical testing. Allele origin: germline.

NM_144773.4(PROKR2):c.50C>A (p.Pro17His)

Gene: PROKR2 (prokineticin receptor 2; minus strand). Cytogenetic location: 20p12.3.
Variant type: single nucleotide variant.
Coding change: c.50C>A on transcript NM_144773.4 (MANE Select); coding-DNA position 50, C replaced by A.
Protein change: p.Pro17His; replaces proline 17 with histidine.
Molecular consequence: missense variant.
Genome position (GRCh38, 1-based): chr20:5,314,320, G>T on the plus strand (C>A on the coding strand, the complement: PROKR2 is on the minus strand). VCF-style: chr20-5314320-G-T. GRCh37 (hg19) VCF-style: chr20-5294966-G-T.
Other names: short protein forms P17H.
Identifiers: ClinVar variation 4144797 (VCV004144797.2).
Genomic context (GRCh38, chr20:5,314,320, plus strand): 5'-ATAGGGAGGTCATAATCACCATAACTGAAGTTAAAGGAGAGGGAGGAGGCATGGTCTTGG[G>T]GTGGATTAAAGTTGGGTGTGAAACTGGTGTTTCCATTCTGGGCTGCCATGGTGATGTCTG-3'
Protein context (NP_658986.1, residues 7-27): NTSFTPNFNP[Pro17His]QDHASSLSFN